The following is an entry in ClinVar:

NM_003062.4(SLIT3):c.3540C>T (p.Ala1180=)

Gene: SLIT3 (slit guidance ligand 3; minus strand). Cytogenetic location: 5q34.
Variant type: single nucleotide variant.
Coding change: c.3540C>T on transcript NM_003062.4 (MANE Select); coding-DNA position 3540, C replaced by T.
Protein change: p.Ala1180=; no amino-acid change (alanine 1180 retained).
Molecular consequence: synonymous variant.
Genome position (GRCh38, 1-based): chr5:168,685,702, G>A on the plus strand (C>T on the coding strand, the complement: SLIT3 is on the minus strand). VCF-style: chr5-168685702-G-A. GRCh37 (hg19) VCF-style: chr5-168112707-G-A.
Other names: c.3561C>T (NM_001271946.1); c.3561C>T, p.Ala1187= (NM_001271946.2).
Identifiers: ClinVar variation 2656049 (VCV002656049.24), dbSNP rs72839508, ClinGen allele CA3550896.

ClinVar aggregate classification (germline): Likely benign. Review status: criteria provided, single submitter (1 of 4 stars). 2 submissions from 2 submitters: Likely benign (1). 1 of the submissions does not count toward it. Last evaluated 2025-07-01.

Conditions:
SLIT3-related disorder. Also called: SLIT3-related condition.

Allele frequency attached by ClinVar (database versions not stated): 1000 Genomes Project 0.00100; 1000 Genomes Project 30x 0.00109; ExAC 0.00145; gnomAD 0.00210; TOPMed 0.00237; ESP Exome Variant Server 0.00254.
gnomAD v4.1: 4,476 of 1,561,158 alleles (0.29%); highest among the groups gnomAD compares: Non-Finnish European, 0.36%; 9 homozygotes.

Submissions (2):

CeGaT Center for Human Genetics Tuebingen
Classification: Likely benign. Last evaluated: 2025-07-01. Review status: criteria provided, single submitter. Criteria: CeGaT Center For Human Genetics Tuebingen Variant Classification Criteria Version 2. Collection method: clinical testing. Allele origin: germline. Affected: yes. Observed: 8 variant alleles.
Comment: SLIT3: BP4, BP7

PreventionGenetics, part of Exact Sciences
Classification: Likely benign for SLIT3-related condition. Last evaluated: 2024-03-06. Review status: no assertion criteria provided. Collection method: clinical testing. Allele origin: germline. Not counted in ClinVar's aggregate classification.
Comment: This variant is classified as likely benign based on ACMG/AMP sequence variant interpretation guidelines (Richards et al. 2015 PMID: 25741868, with internal and published modifications).